The following is an entry in ClinVar:

ClinVar aggregate classification (germline): Conflicting classifications of pathogenicity. Review status: criteria provided, conflicting classifications (1 of 4 stars). 4 submissions from 4 submitters: Uncertain significance (3); Likely benign (1). Last evaluated 2025-12-01.

Conditions:
Brugada syndrome. Also called: Sudden unexplained nocturnal death syndrome; Sudden unexpected nocturnal death syndrome; Sudden Unexplained Death Syndrome; Sudden Unexplained Nocturnal Death Syndrome (SUNDS). Identifiers: Orphanet 130, MedGen C1142166, MONDO:0015263.
Cardiovascular phenotype. Identifiers: MedGen CN230736.

Allele frequency attached by ClinVar (database versions not stated): gnomAD 0.00001; TOPMed 0.00002; gnomAD exomes 0.00003; ExAC 0.00004; ESP Exome Variant Server 0.00008.
gnomAD v4.1: 26 of 1,613,690 alleles (0.0016%); highest among the groups gnomAD compares: Middle Eastern, 0.033%; no homozygotes.

Submissions (4):

Labcorp Genetics (formerly Invitae), Labcorp
Classification: Uncertain significance for Brugada syndrome. Last evaluated: 2025-12-01. Review status: criteria provided, single submitter. Criteria: Invitae Variant Classification Sherloc (09022015). Collection method: clinical testing. Allele origin: germline.
Comment: This sequence change replaces arginine, which is basic and polar, with glutamine, which is neutral and polar, at codon 108 of the SCN10A protein (p.Arg108Gln). This variant is present in population databases (rs141278729, gnomAD 0.006%). This variant has not been reported in the literature in individuals affected with SCN10A-related conditions. ClinVar contains an entry for this variant (Variation ID: 1729279). Invitae Evidence Modeling of protein sequence and biophysical properties (such as structural, functional, and spatial information, amino acid conservation, physicochemical variation, residue mobility, and thermodynamic stability) indicates that this missense variant is not expected to disrupt SCN10A protein function with a negative predictive value of 80%. In summary, the available evidence is currently insufficient to determine the role of this variant in disease. Therefore, it has been classified as a Variant of Uncertain Significance.

Ambry Genetics
Classification: Uncertain significance for Cardiovascular phenotype. Last evaluated: 2025-11-26. Review status: criteria provided, single submitter. Criteria: Ambry Variant Classification Scheme 2023. Collection method: clinical testing. Allele origin: germline.

Blueprint Genetics
Classification: Likely benign. Last evaluated: 2024-04-23. Review status: criteria provided, single submitter. Criteria: ACMG Guidelines, 2015. Collection method: clinical testing. Allele origin: germline.

GeneDx
Classification: Uncertain significance. Last evaluated: 2023-05-11. Review status: criteria provided, single submitter. Criteria: GeneDx Variant Classification Process June 2021. Collection method: clinical testing. Allele origin: germline. Affected: yes.
Comment: In silico analysis supports that this missense variant does not alter protein structure/function; Has not been previously published as pathogenic or benign to our knowledge

NM_006514.4(SCN10A):c.323G>A (p.Arg108Gln)

Gene: SCN10A (sodium voltage-gated channel alpha subunit 10; minus strand). Cytogenetic location: 3p22.2.
Variant type: single nucleotide variant.
Coding change: c.323G>A on transcript NM_006514.4 (MANE Select); coding-DNA position 323, G replaced by A.
Protein change: p.Arg108Gln; replaces arginine 108 with glutamine.
Molecular consequence: missense variant.
Genome position (GRCh38, 1-based): chr3:38,792,116, C>T on the plus strand (G>A on the coding strand, the complement: SCN10A is on the minus strand). VCF-style: chr3-38792116-C-T. GRCh37 (hg19) VCF-style: chr3-38833607-C-T.
Other names: c.323G>A, p.Arg108Gln (NM_001293306.2, NM_001293307.2); short protein forms R108Q.
Identifiers: ClinVar variation 1729279 (VCV001729279.10), dbSNP rs141278729, ClinGen allele CA2321250.